The following is an entry in ClinVar:

NM_001042492.3(NF1):c.288+4A>T

Gene: NF1 (neurofibromin 1; plus strand). Cytogenetic location: 17q11.2.
Variant type: single nucleotide variant.
Coding change: c.288+4A>T on transcript NM_001042492.3 (MANE Select); 4 bases into the intron after coding-DNA position 288, A replaced by T.
Molecular consequence: intron variant.
Genome position (GRCh38, 1-based): chr17:31,159,097, A>T. VCF-style: chr17-31159097-A-T. GRCh37 (hg19) VCF-style: chr17-29486115-A-T.
Other names: c.288+4A>T (NM_000267.3, NM_000267.4, NM_001128147.3).
Identifiers: ClinVar variation 1699115 (VCV001699115.8), dbSNP rs781459468, ClinGen allele CA2573130276.
Genomic context (GRCh38, chr17:31,159,097, plus strand): 5'-AATTTATATCTCTCTCAGTTGATTATATTGGATACACTGGAAAAATGTCTTGCTGGGGTA[A>T]GTAAATTGATCTTAAGTAGGCAGGCTTTGTGAATTTGATCTTGAGAATGATCTTATGTCC-3'

ClinVar aggregate classification (germline): Conflicting classifications of pathogenicity. Review status: criteria provided, conflicting classifications (1 of 4 stars). 3 submissions from 3 submitters: Likely pathogenic (1); Uncertain significance (2). Last evaluated 2025-09-30.

Conditions:
Hereditary cancer-predisposing syndrome. Also called: Neoplastic Syndromes, Hereditary; Hereditary Cancer Syndrome; Tumor predisposition; Hereditary neoplastic syndrome. Identifiers: Orphanet 140162, MedGen C0027672, MeSH D009386, MONDO:0015356.
Cardiovascular phenotype. Identifiers: MedGen CN230736.
Neurofibromatosis, type 1 (NF1). Also called: VON RECKLINGHAUSEN DISEASE; NEUROFIBROMATOSIS, TYPE I, SOMATIC; Peripheral type neurofibromatosis; Neurofibromatosis, type I. Identifiers: Orphanet 636, MedGen C0027831, MONDO:0018975, OMIM 162200. Disease mechanism: loss of function.

gnomAD v4.1: 1 of 1,586,428 alleles (0.000063%); highest among the groups gnomAD compares: Non-Finnish European, 0.000087%; no homozygotes.

Submissions (3):

Ambry Genetics
Classification: Likely pathogenic for Cardiovascular phenotype; Hereditary cancer-predisposing syndrome. Last evaluated: 2025-09-30. Review status: criteria provided, single submitter. Criteria: Ambry Variant Classification Scheme 2023. Collection method: clinical testing. Allele origin: germline.
Comment: The c.288+4A>T intronic variant results from an A to T substitution 4 nucleotides after coding exon 3 in the NF1 gene. This nucleotide position is well conserved in available vertebrate species. In silico splice site analysis predicts that this alteration will weaken the native splice donor site. RNA studies have demonstrated that this alteration results in abnormal splicing in the set of samples tested (Ambry internal data). This variant is considered to be rare based on population cohorts in the Genome Aggregation Database (gnomAD). Based on the majority of available evidence to date, this variant is likely to be pathogenic.

Labcorp Genetics (formerly Invitae), Labcorp
Classification: Uncertain significance for Neurofibromatosis, type 1. Last evaluated: 2024-09-15. Review status: criteria provided, single submitter. Criteria: Invitae Variant Classification Sherloc (09022015). Collection method: clinical testing. Allele origin: germline.
Comment: This sequence change falls in intron 3 of the NF1 gene. It does not directly change the encoded amino acid sequence of the NF1 protein. It affects a nucleotide within the consensus splice site. This variant is not present in population databases (gnomAD no frequency). This variant has not been reported in the literature in individuals affected with NF1-related conditions. ClinVar contains an entry for this variant (Variation ID: 1699115). Variants that disrupt the consensus splice site are a relatively common cause of aberrant splicing (PMID: 17576681, 9536098). Algorithms developed to predict the effect of sequence changes on RNA splicing suggest that this variant may disrupt the consensus splice site. This variant disrupts the c.288+4A nucleotide in the NF1 gene. Other variant(s) that disrupt this nucleotide have been determined to be pathogenic (PMID: 31370276; internal data). This suggests that this nucleotide is clinically significant, and that variants that disrupt this position are likely to be disease-causing. In summary, the available evidence is currently insufficient to determine the role of this variant in disease. Therefore, it has been classified as a Variant of Uncertain Significance.

Victorian Clinical Genetics Services, Murdoch Childrens Research Institute
Classification: Uncertain significance for Neurofibromatosis, type 1. Last evaluated: 2022-09-02. Review status: criteria provided, single submitter. Criteria: ACMG Guidelines, 2015. Collection method: clinical testing. Allele origin: germline. Inheritance: Autosomal dominant inheritance. Affected: yes.
Comment: Based on the classification scheme VCGS_Germline_v1.3.4, this variant is classified as VUS-3A. Following criteria are met: 0102 - Loss of function is a known mechanism of disease in this gene and is associated with neurofibromatosis, type 1 (MIM#162200). (I) 0107 - This gene is associated with autosomal dominant disease. (I) 0115 - Variants in this gene are known to have variable expressivity (PMID: 20301288). (I) 0212 - Non-canonical splice site variant without proven consequence on splicing (no functional evidence available). (SP) 0251 - This variant is heterozygous. (I) 0301 - Variant is absent from gnomAD (both v2 and v3). (SP) 0311 - An alternative nucleotide change at the same position is present in gnomAD (v2) (1 heterozygote, 0 homozygotes). (I) 0508 - In silico predictions for abnormal splicing are conflicting. (I) 0704 - Another splice site variant comparable to the one identified in this case has limited previous evidence for pathogenicity. c.288+4A>G has been classified as likely pathogenic, pathogenic and as a VUS by clinical laboratories in ClinVar. This alternative change has also been observed in one individual with an NF1-related condition in the literature (PMID: 31370276). (SP) 0807 - This variant has no previous evidence of pathogenicity. (I) 0905 - No published segregation evidence has been identified for this variant. (I) 1007 - No published functional evidence has been identified for this variant. (I) 1208 - Inheritance information for this variant is not currently available in this individual. (I) Legend: (SP) - Supporting pathogenic, (I) - Information, (SB) - Supporting benign

Literature cited by the submitters: PubMed 17576681 (cited by Labcorp Genetics (formerly Invitae), Labcorp); PubMed 9536098 (cited by Labcorp Genetics (formerly Invitae), Labcorp); PubMed 31370276 (cited by Labcorp Genetics (formerly Invitae), Labcorp and Victorian Clinical Genetics Services, Murdoch Childrens Research Institute); PubMed 20301288 (cited by Victorian Clinical Genetics Services, Murdoch Childrens Research Institute).